The following is an entry in ClinVar:

NM_001291303.3(FAT4):c.12347C>T (p.Ser4116Phe)

Gene: FAT4 (FAT atypical cadherin 4; plus strand). Cytogenetic location: 4q28.1.
Variant type: single nucleotide variant.
Coding change: c.12347C>T on transcript NM_001291303.3 (MANE Select); coding-DNA position 12347, C replaced by T.
Protein change: p.Ser4116Phe; replaces serine 4116 with phenylalanine.
Molecular consequence: missense variant.
Genome position (GRCh38, 1-based): chr4:125,477,202, C>T. VCF-style: chr4-125477202-C-T. GRCh37 (hg19) VCF-style: chr4-126398357-C-T.
Other names: c.12347C>T, p.Ser4116Phe (NM_001291285.3); c.12341C>T, p.Ser4114Phe (NM_024582.6); short protein forms S4116F, S4114F.
Identifiers: ClinVar variation 1482981 (VCV001482981.6), dbSNP rs1560631602, ClinGen allele CA358130963.
Genomic context (GRCh38, chr4:125,477,202, plus strand): 5'-ATTATTTATTTAGGACTCTTGATGTTCAGCCAAATAGAGTTACAGTTGGAGGTATCAGAT[C>T]TCTAGAACCAATCCTTCAGAGAAGAGGACACGTGGAAAGCCATGATTTTGTTGGGTGTAT-3'
Protein context (NP_001278232.1, residues 4106-4126): PNRVTVGGIR[Ser4116Phe]LEPILQRRGH

ClinVar aggregate classification (germline): Uncertain significance (1 of 4 stars; one submission).

Submission:

Labcorp Genetics (formerly Invitae), Labcorp
Classification: Uncertain significance. Last evaluated: 2021-10-20. Review status: criteria provided, single submitter. Criteria: Invitae Variant Classification Sherloc (09022015). Collection method: clinical testing. Allele origin: germline.
Comment: In summary, the available evidence is currently insufficient to determine the role of this variant in disease. Therefore, it has been classified as a Variant of Uncertain Significance. Advanced modeling of protein sequence and biophysical properties (such as structural, functional, and spatial information, amino acid conservation, physicochemical variation, residue mobility, and thermodynamic stability) performed at Invitae indicates that this missense variant is not expected to disrupt FAT4 protein function. This variant has not been reported in the literature in individuals affected with FAT4-related conditions. This variant is not present in population databases (ExAC no frequency). This sequence change replaces serine with phenylalanine at codon 4114 of the FAT4 protein (p.Ser4114Phe). The serine residue is highly conserved and there is a large physicochemical difference between serine and phenylalanine.